The following is an entry in ClinVar:

ClinVar aggregate classification (germline): Likely pathogenic. Review status: criteria provided, multiple submitters, no conflicts (2 of 4 stars). 2 submissions from 2 submitters: Likely pathogenic (2). Last evaluated 2025-09-19.

Conditions:
Smith-Lemli-Opitz syndrome (SLOS). Also called: LETHAL ACRODYSGENITAL SYNDROME; POLYDACTYLY, SEX REVERSAL, RENAL HYPOPLASIA, AND UNILOBAR LUNG; RSH SYNDROME; RUTLEDGE LETHAL MULTIPLE CONGENITAL ANOMALY SYNDROME; 7-Dehydrocholesterol reductase deficiency. Identifiers: Orphanet 818, MedGen C0175694, MONDO:0010035, OMIM 270400.

Allele frequency attached by ClinVar (database versions not stated): gnomAD 0.00001.

Submissions (2):

Natera, Inc.
Classification: Likely pathogenic for Smith-Lemli-Opitz syndrome. Last evaluated: 2025-09-19. Review status: criteria provided, single submitter. Criteria: Natera Variant Classification Schema (03/2026). Collection method: clinical testing. Allele origin: germline.
Comment: The c.429T>G variant in DHCR7 is a nonsense variant predicted to introduce a stop codon at amino acid 143. This variant is expected to result in nonsense mediated decay, truncation, or a dysfunctional protein product. This variant is rare in the general population with a frequency below the threshold expected for the associated phenotype(s). Given the available evidence, this variant is classified as Likely Pathogenic.

GeneDx
Classification: Likely pathogenic. Last evaluated: 2018-10-12. Review status: criteria provided, single submitter. Criteria: GeneDx Variant Classification (06012015). Collection method: clinical testing. Allele origin: germline. Affected: yes.
Comment: The Y143X variant in the DHCR7 gene has been reported previously in an individual with SLOS who also had the W37X variant, although segregation data was not provided to determine phase of these two variants (Pappu et al., 2006). This variant is predicted to cause loss of normal protein function either through protein truncation or nonsense-mediated mRNA decay. The Y143X variant is not observed at a significant frequency in large population cohorts (Lek et al., 2016). We interpret Y143X as a likely pathogenic variant.

NM_001360.3(DHCR7):c.429T>G (p.Tyr143Ter)

Gene: DHCR7 (7-dehydrocholesterol reductase; minus strand). Cytogenetic location: 11q13.4.
Variant type: single nucleotide variant.
Coding change: c.429T>G on transcript NM_001360.3 (MANE Select); coding-DNA position 429, T replaced by G.
Protein change: p.Tyr143Ter; replaces tyrosine 143 with a stop codon.
Molecular consequence: nonsense.
Genome position (GRCh38, 1-based): chr11:71,441,424, A>C on the plus strand (T>G on the coding strand, the complement: DHCR7 is on the minus strand). VCF-style: chr11-71441424-A-C. GRCh37 (hg19) VCF-style: chr11-71152470-A-C.
Other names: c.429T>G, p.Tyr143Ter (NM_001163817.2); short protein forms Y143*.
Identifiers: ClinVar variation 620411 (VCV000620411.3), dbSNP rs1393186135, ClinGen allele CA381694696.